The following is an entry in ClinVar:

ClinVar aggregate classification (germline): Uncertain significance (1 of 4 stars; one submission).

Allele frequency attached by ClinVar (database versions not stated): gnomAD exomes below 0.00001.
gnomAD v4.1: 1 of 1,572,122 alleles (0.000064%); highest among the groups gnomAD compares: Non-Finnish European, 0.000086%; no homozygotes.

Submission:

Ambry Genetics
Classification: Uncertain significance. Last evaluated: 2023-11-16. Review status: criteria provided, single submitter. Criteria: Ambry Variant Classification Scheme 2023. Collection method: clinical testing. Allele origin: germline.
Comment: The p.A414V variant (also known as c.1241C>T), located in coding exon 8 of the POLQ gene, results from a C to T substitution at nucleotide position 1241. The alanine at codon 414 is replaced by valine, an amino acid with similar properties. This amino acid position is conserved. In addition, this alteration is predicted to be deleterious by in silico analysis. Since supporting evidence is limited at this time, the clinical significance of this alteration remains unclear.

NM_199420.4(POLQ):c.1241C>T (p.Ala414Val)

Gene: POLQ (DNA polymerase theta; minus strand). Cytogenetic location: 3q13.33.
Variant type: single nucleotide variant.
Coding change: c.1241C>T on transcript NM_199420.4 (MANE Select); coding-DNA position 1241, C replaced by T.
Protein change: p.Ala414Val; replaces alanine 414 with valine.
Molecular consequence: missense variant.
Genome position (GRCh38, 1-based): chr3:121,522,017, G>A on the plus strand (C>T on the coding strand, the complement: POLQ is on the minus strand). VCF-style: chr3-121522017-G-A. GRCh37 (hg19) VCF-style: chr3-121240864-G-A.
Other names: short protein forms A414V.
Identifiers: ClinVar variation 3229823 (VCV003229823.1), dbSNP rs2546811537, ClinGen allele CA354121292.
Genomic context (GRCh38, chr3:121,522,017, plus strand): 5'-TGAGGAATTTTGGAGGTTTCTTAATAACATTATAAATATGAAATACCTGCATGATGAAAT[G>A]CTACTCCCCATGGTACAGTTTTCTGTAATACAGAGTCCAGTCCTGAAGGCAAACGTCTTA-3'
Protein context (NP_955452.3, residues 404-424): VLQKTVPWGV[Ala414Val]FHHAGLTFEE